The following is an entry in ClinVar:

ClinVar aggregate classification (germline): Benign (0 of 4 stars; one submission).

Conditions:
SEMA4D-related disorder. Also called: SEMA4D-related condition.

Allele frequency attached by ClinVar (database versions not stated): gnomAD exomes 0.00334; ExAC 0.01098; 1000 Genomes Project 0.02995; 1000 Genomes Project 30x 0.03248; gnomAD 0.03363; TOPMed 0.03753; ESP Exome Variant Server 0.04021.
gnomAD v4.1: 10,194 of 1,608,650 alleles (0.63%); highest among the groups gnomAD compares: African/African-American, 12%; 554 homozygotes.

Submission:

PreventionGenetics, part of Exact Sciences
Classification: Benign for SEMA4D-related condition. Last evaluated: 2019-11-26. Review status: no assertion criteria provided. Collection method: clinical testing. Allele origin: germline.
Comment: This variant is classified as benign based on ACMG/AMP sequence variant interpretation guidelines (Richards et al. 2015 PMID: 25741868, with internal and published modifications).

NM_001371194.2(SEMA4D):c.*4C>T

Gene: SEMA4D (semaphorin 4D; minus strand). Cytogenetic location: 9q22.2.
Variant type: single nucleotide variant.
Coding change: c.*4C>T on transcript NM_001371194.2 (MANE Select); 4 bases downstream of the stop codon, C replaced by T.
Molecular consequence: 3 prime UTR variant. On other transcripts: intron variant (6).
Genome position (GRCh38, 1-based): chr9:89,378,700, G>A on the plus strand (C>T on the coding strand, the complement: SEMA4D is on the minus strand). VCF-style: chr9-89378700-G-A. GRCh37 (hg19) VCF-style: chr9-91993615-G-A.
Other names: c.*4C>T (NM_001371195.1, NM_001371196.1, NM_001371197.1 and 1 more transcripts); c.1664-1649C>T (NM_001371198.1, NM_001371201.1, NM_001371202.1 and 3 more transcripts).
Identifiers: ClinVar variation 3039346 (VCV003039346.2), dbSNP rs73654771, ClinGen allele CA5118063.